The following is an entry in ClinVar:

NM_001128225.3(SLC39A13):c.1100C>T (p.Ser367Leu)

Gene: SLC39A13 (solute carrier family 39 member 13; plus strand). Cytogenetic location: 11p11.2.
Variant type: single nucleotide variant.
Coding change: c.1100C>T on transcript NM_001128225.3 (MANE Select); coding-DNA position 1100, C replaced by T.
Protein change: p.Ser367Leu; replaces serine 367 with leucine.
Molecular consequence: missense variant. On other transcripts: 3 prime UTR variant (1), non-coding transcript variant (1).
Genome position (GRCh38, 1-based): chr11:47,415,347, C>T. VCF-style: chr11-47415347-C-T. GRCh37 (hg19) VCF-style: chr11-47436898-C-T.
Other names: c.1079C>T (NM_152264.4); c.*97C>T (NM_001330245.2); c.1079C>T, p.Ser360Leu (NM_152264.5); short protein forms S360L, S367L.
Identifiers: ClinVar variation 1428824 (VCV001428824.9), dbSNP rs777112793, ClinGen allele CA5976061.
Genomic context (GRCh38, chr11:47,415,347, plus strand): 5'-GGCGCTCCCTGCAGCAGCTGCTTCTGCTCTGTGCGGGCATCGTGGTAATGGTGCTGTTCT[C>T]GCTCTTCGTGGATTAACTTTCCCTGATGCCGACGCCCCTGCCCCCTGCAGCAATAAGATG-3'
Protein context (NP_001121697.2, residues 357-371): CAGIVVMVLF[Ser367Leu]LFVD

ClinVar aggregate classification (germline): Uncertain significance. Review status: criteria provided, multiple submitters, no conflicts (2 of 4 stars). 2 submissions from 2 submitters: Uncertain significance (2). Last evaluated 2025-04-12.

Conditions:
Ehlers-Danlos syndrome, spondylodysplastic type, 3. Also called: Ehlers-Danlos syndrome, spondylocheirodysplastic type. Identifiers: Orphanet 157965, MedGen C2676510, MONDO:0012873, OMIM 612350.
Inborn genetic diseases. Identifiers: MedGen C0950123, MeSH D030342.

Allele frequency attached by ClinVar (database versions not stated): TOPMed 0.00001; gnomAD exomes below 0.00001; ExAC 0.00001.
gnomAD v4.1: 6 of 1,614,056 alleles (0.00037%); highest among the groups gnomAD compares: East Asian, 0.0022%; no homozygotes.

Submissions (2):

Ambry Genetics
Classification: Uncertain significance for Inborn genetic diseases. Last evaluated: 2025-04-12. Review status: criteria provided, single submitter. Criteria: Ambry Variant Classification Scheme 2023. Collection method: clinical testing. Allele origin: germline.

Labcorp Genetics (formerly Invitae), Labcorp
Classification: Uncertain significance for Ehlers-Danlos syndrome, spondylodysplastic type, 3. Last evaluated: 2022-08-23. Review status: criteria provided, single submitter. Criteria: Invitae Variant Classification Sherloc (09022015). Collection method: clinical testing. Allele origin: germline.
Comment: In summary, the available evidence is currently insufficient to determine the role of this variant in disease. Therefore, it has been classified as a Variant of Uncertain Significance. Algorithms developed to predict the effect of missense changes on protein structure and function are either unavailable or do not agree on the potential impact of this missense change (SIFT: "Tolerated"; PolyPhen-2: "Probably Damaging"; Align-GVGD: "Class C0"). ClinVar contains an entry for this variant (Variation ID: 1428824). This variant has not been reported in the literature in individuals affected with SLC39A13-related conditions. This variant is present in population databases (rs777112793, gnomAD 0.0009%). This sequence change replaces serine, which is neutral and polar, with leucine, which is neutral and non-polar, at codon 360 of the SLC39A13 protein (p.Ser360Leu).